The following is an entry in ClinVar:

NM_003924.4(PHOX2B):c.430-5G>A

Gene: PHOX2B (paired like homeobox 2B; minus strand). Cytogenetic location: 4p13.
Variant type: single nucleotide variant.
Coding change: c.430-5G>A on transcript NM_003924.4 (MANE Select); 5 bases into the intron before coding-DNA position 430, G replaced by A.
Molecular consequence: intron variant.
Genome position (GRCh38, 1-based): chr4:41,746,327, C>T on the plus strand (G>A on the coding strand, the complement: PHOX2B is on the minus strand). VCF-style: chr4-41746327-C-T. GRCh37 (hg19) VCF-style: chr4-41748344-C-T.
Identifiers: ClinVar variation 757863 (VCV000757863.11), dbSNP rs751132977, ClinGen allele CA2901496.

ClinVar aggregate classification (germline): Conflicting classifications of pathogenicity. Review status: criteria provided, conflicting classifications (1 of 4 stars). 2 submissions from 2 submitters: Uncertain significance (1); Likely benign (1). Last evaluated 2024-03-20.

Conditions:
Hereditary cancer-predisposing syndrome. Also called: Hereditary Cancer Syndrome; Hereditary neoplastic syndrome; Neoplastic Syndromes, Hereditary; Tumor predisposition. Identifiers: Orphanet 140162, MedGen C0027672, MeSH D009386, MONDO:0015356.
Haddad syndrome (OHD). Also called: Ondine-Hirschsprung disease. Identifiers: Orphanet 99803, MedGen C1859049, MONDO:0020493.

Allele frequency attached by ClinVar (database versions not stated): gnomAD exomes below 0.00001; ExAC 0.00001.
gnomAD v4.1: 1 of 1,613,600 alleles (0.000062%); highest among the groups gnomAD compares: Non-Finnish European, 0.000085%; no homozygotes.

Submissions (2):

Ambry Genetics
Classification: Uncertain significance for Hereditary cancer-predisposing syndrome. Last evaluated: 2024-03-20. Review status: criteria provided, single submitter. Criteria: Ambry Variant Classification Scheme 2023. Collection method: clinical testing. Allele origin: germline.
Comment: The c.430-5G>A intronic variant results from a G to A substitution 5 nucleotides upstream from coding exon 3 in the PHOX2B gene. This nucleotide position is not well conserved in available vertebrate species. In silico splice site analysis predicts that this alteration will not have any significant effect on splicing. Based on the available evidence, the clinical significance of this alteration remains unclear.

Labcorp Genetics (formerly Invitae), Labcorp
Classification: Likely benign for Haddad syndrome. Last evaluated: 2023-04-07. Review status: criteria provided, single submitter. Criteria: Invitae Variant Classification Sherloc (09022015). Collection method: clinical testing. Allele origin: germline.